The following is an entry in ClinVar:

ClinVar aggregate classification (germline): Likely benign (1 of 4 stars; one submission).

Submission:

CeGaT Center for Human Genetics Tuebingen
Classification: Likely benign. Last evaluated: 2024-02-01. Review status: criteria provided, single submitter. Criteria: CeGaT Center For Human Genetics Tuebingen Variant Classification Criteria Version 2. Collection method: clinical testing. Allele origin: germline. Affected: yes. Observed: 1 variant allele.
Comment: ANKRD20A1: BP4, BP7

NM_032250.5(ANKRD20A1):c.2268T>C (p.Asp756=)

Gene: ANKRD20A1 (ankyrin repeat domain 20 family member A1; plus strand). Cytogenetic location: 9q21.11.
Variant type: single nucleotide variant.
Coding change: c.2268T>C on transcript NM_032250.5 (MANE Select); coding-DNA position 2268, T replaced by C.
Protein change: p.Asp756=; no amino-acid change (aspartic acid 756 retained).
Molecular consequence: synonymous variant.
Genome position (GRCh38, 1-based): chr9:67,901,263, T>C. VCF-style: chr9-67901263-T-C. GRCh37 (hg19) VCF-style: chr9-67968709-T-C.
Identifiers: ClinVar variation 3025337 (VCV003025337.22), dbSNP rs1247811040, ClinGen allele CA465501365.